The following is an entry in ClinVar:

ClinVar aggregate classification (germline): Pathogenic (1 of 4 stars; one submission).

Submission:

Labcorp Genetics (formerly Invitae), Labcorp
Classification: Pathogenic. Last evaluated: 2021-07-14. Review status: criteria provided, single submitter. Criteria: Invitae Variant Classification Sherloc (09022015). Collection method: clinical testing. Allele origin: germline.
Comment: This variant has not been reported in the literature in individuals with ACAD9-related conditions. This variant is an out-of-frame deletion of the genomic region encompassing exon 7 of the ACAD9 gene. This is expected to create a premature translational stop signal and result in an absent or disrupted protein product. Loss-of-function variants in ACAD9 are known to be pathogenic (PMID: 25721401). For these reasons, this variant has been classified as Pathogenic.

Literature cited by the submitters: PubMed 25721401.

NC_000003.12:g.(?_128899277)_(128899471_?)del

Gene: ACAD9 (acyl-CoA dehydrogenase family member 9; plus strand). Cytogenetic location: 3q21.3.
Variant type: Deletion.
Identifiers: ClinVar variation 831296 (VCV000831296.5).